The following is an entry in ClinVar:

ClinVar aggregate classification (germline): Pathogenic/Likely pathogenic. Review status: criteria provided, multiple submitters, no conflicts (2 of 4 stars). 5 submissions from 5 submitters: Pathogenic (1); Likely pathogenic (4). Last evaluated 2025-09-02.

Conditions:
DHCR7-related disorder. Also called: DHCR7-related condition.
Smith-Lemli-Opitz syndrome (SLOS). Also called: 7-Dehydrocholesterol reductase deficiency; LETHAL ACRODYSGENITAL SYNDROME; POLYDACTYLY, SEX REVERSAL, RENAL HYPOPLASIA, AND UNILOBAR LUNG; RSH SYNDROME; RUTLEDGE LETHAL MULTIPLE CONGENITAL ANOMALY SYNDROME. Identifiers: Orphanet 818, MedGen C0175694, MONDO:0010035, OMIM 270400.

gnomAD v4.1: 7 of 1,613,516 alleles (0.00043%); highest among the groups gnomAD compares: Non-Finnish European, 0.00059%; no homozygotes.

Submissions (5):

Natera, Inc.
Classification: Likely pathogenic for Smith-Lemli-Opitz syndrome. Last evaluated: 2025-09-02. Review status: criteria provided, single submitter. Criteria: Natera Variant Classification Schema (03/2026). Collection method: clinical testing. Allele origin: germline.
Comment: The c.438T>G variant in DHCR7 is a missense variant predicted to cause substitution of asparagine to lysine at amino acid 146. This variant is rare in the general population with a frequency below the threshold expected for the associated phenotype(s). This variant has been observed in one or more individuals affected with the associated recessive disease, as either homozygous or compound heterozygous with a second variant (PMID: 20556518, 22226660). This variant has been identified in one or more affected individuals with a phenotype highly consistent with the associated gene (PMID: 20556518). Computational prediction algorithms indicate this variant is likely to affect gene or protein function. Given the available evidence, this variant is classified as Likely Pathogenic.

Fulgent Genetics
Classification: Likely pathogenic for Smith-Lemli-Opitz syndrome. Last evaluated: 2024-05-16. Review status: criteria provided, single submitter. Criteria: ACMG Guidelines, 2015. Collection method: clinical testing. Allele origin: germline.

Labcorp Genetics (formerly Invitae), Labcorp
Classification: Pathogenic for Smith-Lemli-Opitz syndrome. Last evaluated: 2023-08-29. Review status: criteria provided, single submitter. Criteria: Invitae Variant Classification Sherloc (09022015). Collection method: clinical testing. Allele origin: germline.
Comment: For these reasons, this variant has been classified as Pathogenic. Advanced modeling of protein sequence and biophysical properties (such as structural, functional, and spatial information, amino acid conservation, physicochemical variation, residue mobility, and thermodynamic stability) performed at Invitae indicates that this missense variant is expected to disrupt DHCR7 protein function. ClinVar contains an entry for this variant (Variation ID: 632172). This missense change has been observed in individual(s) with Smith-Lemli-Opitz syndrome (PMID: 20556518, 22226660). In at least one individual the data is consistent with being in trans (on the opposite chromosome) from a pathogenic variant. This variant is present in population databases (rs949177, gnomAD 0.002%). This sequence change replaces asparagine, which is neutral and polar, with lysine, which is basic and polar, at codon 146 of the DHCR7 protein (p.Asn146Lys).

GeneDx
Classification: Likely pathogenic. Last evaluated: 2023-04-10. Review status: criteria provided, single submitter. Criteria: GeneDx Variant Classification Process June 2021. Collection method: clinical testing. Allele origin: germline. Affected: yes.
Comment: Not observed at significant frequency in large population cohorts (gnomAD); In silico analysis supports that this missense variant has a deleterious effect on protein structure/function; This variant is associated with the following publications: (PMID: 29433144, 27401223, 22226660, 20556518, 23042628, 11241839)

Blueprint Genetics
Classification: Likely pathogenic for DHCR7-related disorders. Last evaluated: 2021-12-09. Review status: criteria provided, single submitter. Criteria: ACMG Guidelines, 2015. Collection method: clinical testing. Allele origin: germline. Affected: yes. Observed: 3 variant alleles.

Literature cited by the submitters: PubMed 20556518 (cited by Natera, Inc. and Labcorp Genetics (formerly Invitae), Labcorp); PubMed 22226660 (cited by Natera, Inc. and Labcorp Genetics (formerly Invitae), Labcorp).

NM_001360.3(DHCR7):c.438T>G (p.Asn146Lys)

Gene: DHCR7 (7-dehydrocholesterol reductase; minus strand). Cytogenetic location: 11q13.4.
Variant type: single nucleotide variant.
Coding change: c.438T>G on transcript NM_001360.3 (MANE Select); coding-DNA position 438, T replaced by G.
Protein change: p.Asn146Lys; replaces asparagine 146 with lysine.
Molecular consequence: missense variant.
Genome position (GRCh38, 1-based): chr11:71,441,415, A>C on the plus strand (T>G on the coding strand, the complement: DHCR7 is on the minus strand). VCF-style: chr11-71441415-A-C. GRCh37 (hg19) VCF-style: chr11-71152461-A-C.
Other names: c.438T>G, p.Asn146Lys (NM_001163817.2); short protein forms N146K.
Identifiers: ClinVar variation 632172 (VCV000632172.21), dbSNP rs949177, ClinGen allele CA6162560.